The following is an entry in ClinVar:

ClinVar aggregate classification (germline): Likely pathogenic (3 of 4 stars; one submission).

Conditions:
CYP1B1-related glaucoma with or without anterior segment dysgenesis. Identifiers: MedGen CN375931, MONDO:0800472.

Submission:

ClinGen Glaucoma Variant Curation Expert Panel
Classification: Likely pathogenic for CYP1B1-related glaucoma with or without anterior segment dysgenesis. Last evaluated: 2026-10-12. Review status: reviewed by expert panel. Criteria: ClinGen Glaucoma ACMG Specifications CYP1B1 V2.0. Collection method: curation. Allele origin: germline. Inheritance: Autosomal recessive inheritance.
Comment: The c.100_122del variant in CYP1B1 is a deletion/duplication of 23 consecutive nucleotides, predicted to encode a frameshift with consequent premature termination of the protein at codon 182 of the frameshift (p.His34AlafsTer182). This variant was not found in any genetic ancestry group of gnomAD (v4.1), meeting the ≤ 0.0005 threshold set for PM2_Supporting in a genetic ancestry group of at least 2,000 alleles. This frameshift variant was predicted to undergo NMD, meeting PVS1. There was no functional evidence predicting a damaging or benign impact of this variant on CYP1B1 function. This variant has been identified in an individual with a CYP1B1-related phenotype. In summary, this variant met the criteria to receive a score of 9 and to be classified as likely pathogenic (likely pathogenic classification range 6 to 9, adapted from PMID: 32720330) for CYP1B1-related glaucoma with or without anterior segment dysgenesis (ASD) based on the ACMG/AMP criteria met, as specified by the ClinGen Glaucoma VCEP (v2.0, 16.07.2026): PVS1, PM2_Supporting.

NM_000104.4(CYP1B1):c.100_122del (p.His34fs)

Gene: CYP1B1 (cytochrome P450 family 1 subfamily B member 1; minus strand). Cytogenetic location: 2p22.2.
Variant type: Deletion.
Coding change: c.100_122del on transcript NM_000104.4 (MANE Select); coding-DNA positions 100 to 122, 23 bases deleted (CATGTGGGCCAGCGGCTGCTGAG).
Protein change: p.His34fs; shifts the reading frame from histidine 34.
Molecular consequence: frameshift variant.
Genome position (GRCh38, 1-based): chr2:38,075,267-38,075,289, CTCAGCAGCCGCTGGCCCACATG deleted on the plus strand (CATGTGGGCCAGCGGCTGCTGAG on the coding strand, the reverse complement: CYP1B1 is on the minus strand); deleting any 23 consecutive bases within chr2:38,075,267-38,075,290 gives the same sequence; the c. name uses the placement nearest the transcript's 3' end. VCF-style (leftmost placement, unchanged base first): chr2-38075266-CCTCAGCAGCCGCTGGCCCACATG-C. GRCh37 (hg19) VCF-style: chr2-38302409-CCTCAGCAGCCGCTGGCCCACATG-C.
Other names: NM_000104.4:c.100_122del; short protein forms H34fs.
Identifiers: ClinVar variation 5018482 (VCV005018482.1).